The following is an entry in ClinVar:

ClinVar aggregate classification (germline): Pathogenic/Likely pathogenic. Review status: criteria provided, multiple submitters, no conflicts (2 of 4 stars). 3 submissions from 3 submitters: Pathogenic (1); Likely pathogenic (2). Last evaluated 2025-11-25.

Conditions:
Cardiovascular phenotype. Identifiers: MedGen CN230736.
Hereditary cancer-predisposing syndrome. Also called: Hereditary neoplastic syndrome; Tumor predisposition; Hereditary Cancer Syndrome; Neoplastic Syndromes, Hereditary. Identifiers: Orphanet 140162, MedGen C0027672, MeSH D009386, MONDO:0015356.

Allele frequency attached by ClinVar (database versions not stated): gnomAD exomes 0.00001.
gnomAD v4.1: 4 of 1,596,944 alleles (0.00025%); highest among the groups gnomAD compares: Admixed American, 0.0034%; no homozygotes.

Submissions (4):

Ambry Genetics
Classification: Likely pathogenic for Cardiovascular phenotype; Hereditary cancer-predisposing syndrome. Last evaluated: 2025-11-25. Review status: criteria provided, single submitter. Criteria: Ambry Variant Classification Scheme 2023. Collection method: clinical testing. Allele origin: germline.
Comment: The c.651+1G>T intronic variant results from a G to T substitution one nucleotide after coding exon 7 of the LZTR1 gene. This nucleotide position is highly conserved in available vertebrate species. In silico splice site analysis predicts that this alteration will weaken the native splice donor site and may result in the creation or strengthening of a novel splice donor site. RNA studies have demonstrated that this alteration results in abnormal splicing in the set of samples tested (Ambry internal data). Loss-of-function variants in LZTR1 are related to an increased risk for schwannomas and autosomal recessive Noonan syndrome; however, such associations with autosomal dominant Noonan syndrome have not been observed (Piotrowski A et al. Nat Genet. 2014 Feb;46:182-7; Yamamoto GL et al. J Med Genet. 2015 Jun;52:413-21; Johnston JJ et al. Genet Med. 2018 10;20:1175-1185). Based on the supporting evidence, this variant is likely pathogenic for an increased risk of LZTR1-related schwannomatosis (SWN) and would be expected to cause autosomal recessive Noonan syndrome when present along with a second pathogenic or likely pathogenic variant on the other allele; however, the association of this alteration with autosomal dominant Noonan syndrome is unlikely.

GeneDx
Classification: Pathogenic. Last evaluated: 2025-02-24. Review status: criteria provided, single submitter. Criteria: GeneDx Variant Classification Process June 2021. Collection method: clinical testing. Allele origin: germline. Affected: yes.
Comment: Identified by exome sequencing in an individual with neuroblastoma, however, no additional clinical or segregation information was provided (PMID: 34308104); Observed in an individual with congenital heart disease in published literature (PMID: 33084842); Canonical splice site variant predicted to result in a null allele in a gene for which loss of function is a known mechanism of disease; Not observed at significant frequency in large population cohorts (gnomAD); This variant is associated with the following publications: (PMID: 33084842, 34308104, 39144424)

Labcorp Genetics (formerly Invitae), Labcorp
Classification: Likely pathogenic. Last evaluated: 2025-01-12. Review status: criteria provided, single submitter. Criteria: Invitae Variant Classification Sherloc (09022015). Collection method: clinical testing. Allele origin: germline.
Comment: This sequence change affects a donor splice site in intron 7 of the LZTR1 gene. It is expected to disrupt RNA splicing. Variants that disrupt the donor or acceptor splice site typically lead to a loss of protein function (PMID: 16199547), and loss-of-function variants in LZTR1 are known to be pathogenic (PMID: 24362817, 25335493, 25480913, 25795793, 29469822, 30368668, 30442762, 30442766, 30481304, 30859559). The frequency data for this variant in the population databases is considered unreliable, as metrics indicate poor data quality at this position in the gnomAD database. Disruption of this splice site has been observed in individual(s) with congenital heart disease (PMID: 33084842). ClinVar contains an entry for this variant (Variation ID: 1067576). Algorithms developed to predict the effect of sequence changes on RNA splicing suggest that this variant may disrupt the consensus splice site. In summary, the currently available evidence indicates that the variant is pathogenic, but additional data are needed to prove that conclusively. Therefore, this variant has been classified as Likely Pathogenic.

Dr. Peter K. Rogan Lab, Western University
No classification provided (evidence only). Condition: Malignant tumor of urinary bladder. Review status: no classification provided. Collection method: in vitro. Allele origin: not applicable. Functional consequence: skipped exon, retained intron. Not counted in ClinVar's aggregate classification.

Literature cited by the submitters: PubMed 16199547 (cited by Labcorp Genetics (formerly Invitae), Labcorp); PubMed 24362817 (cited by Labcorp Genetics (formerly Invitae), Labcorp); PubMed 25335493 (cited by Labcorp Genetics (formerly Invitae), Labcorp); PubMed 25480913 (cited by Labcorp Genetics (formerly Invitae), Labcorp); PubMed 25795793 (cited by Labcorp Genetics (formerly Invitae), Labcorp); PubMed 29469822 (cited by Labcorp Genetics (formerly Invitae), Labcorp); PubMed 30368668 (cited by Labcorp Genetics (formerly Invitae), Labcorp); PubMed 30442762 (cited by Labcorp Genetics (formerly Invitae), Labcorp); PubMed 30442766 (cited by Labcorp Genetics (formerly Invitae), Labcorp); PubMed 30481304 (cited by Labcorp Genetics (formerly Invitae), Labcorp); PubMed 30859559 (cited by Labcorp Genetics (formerly Invitae), Labcorp); PubMed 33084842 (cited by Labcorp Genetics (formerly Invitae), Labcorp).

NM_006767.4(LZTR1):c.651+1G>T

Gene: LZTR1 (leucine zipper like post translational regulator 1; plus strand). Cytogenetic location: 22q11.21.
Variant type: single nucleotide variant.
Coding change: c.651+1G>T on transcript NM_006767.4 (MANE Select); the canonical splice donor site of the intron after coding-DNA position 651, G replaced by T.
Molecular consequence: splice donor variant.
Genome position (GRCh38, 1-based): chr22:20,989,683, G>T. VCF-style: chr22-20989683-G-T. GRCh37 (hg19) VCF-style: chr22-21343972-G-T.
Identifiers: ClinVar variation 1067576 (VCV001067576.14), dbSNP rs1450044732, ClinGen allele CA410780398.
Genomic context (GRCh38, chr22:20,989,683, plus strand): 5'-AGGTTGAATGACATGTGGACAATTGGCCTCCAGGACCGAGAGCTCACCTGCTGGGAGGAG[G>T]TGAGGGGCGTGGGGAGCCAGGGCGCAGGTAGAGGAGGTGAGGGGCACGGGGAGCCAGGGC-3'